The following is an entry in ClinVar:

NM_016553.5(NUP62):c.1525C>T (p.Arg509Trp)

Genes: IL4I1 (interleukin 4 induced 1; minus strand), NUP62 (nucleoporin 62; minus strand). Cytogenetic location: 19q13.33.
Variant type: single nucleotide variant.
Coding change: c.1525C>T on transcript NM_016553.5 (MANE Select); coding-DNA position 1525, C replaced by T.
Protein change: p.Arg509Trp; replaces arginine 509 with tryptophan.
Molecular consequence: missense variant. On other transcripts: intron variant (3).
Genome position (GRCh38, 1-based): chr19:49,908,283, G>A on the plus strand (C>T on the coding strand, the complement: NUP62 is on the minus strand). VCF-style: chr19-49908283-G-A. GRCh37 (hg19) VCF-style: chr19-50411540-G-A.
Other names: c.1525C>T, p.Arg509Trp (NM_001193357.2, NM_012346.5, NM_153718.4 and 1 more transcripts); c.-227-3962C>T (NM_001258017.2, NM_172374.3); c.-285-3962C>T (NM_001258018.2); short protein forms R509W.
Identifiers: ClinVar variation 1435101 (VCV001435101.8), dbSNP rs779433826, ClinGen allele CA9588866.

ClinVar aggregate classification (germline): Uncertain significance (1 of 4 stars; one submission).

Allele frequency attached by ClinVar (database versions not stated): gnomAD exomes 0.00001; TOPMed below 0.00001; ExAC 0.00001; gnomAD 0.00001.
gnomAD v4.1: 14 of 1,613,732 alleles (0.00087%); highest among the groups gnomAD compares: South Asian, 0.0055%; no homozygotes.

Submission:

Labcorp Genetics (formerly Invitae), Labcorp
Classification: Uncertain significance. Last evaluated: 2025-07-07. Review status: criteria provided, single submitter. Criteria: Invitae Variant Classification Sherloc (09022015). Collection method: clinical testing. Allele origin: germline.
Comment: This sequence change replaces arginine, which is basic and polar, with tryptophan, which is neutral and slightly polar, at codon 509 of the NUP62 protein (p.Arg509Trp). This variant is present in population databases (rs779433826, gnomAD 0.003%). This variant has not been reported in the literature in individuals affected with NUP62-related conditions. ClinVar contains an entry for this variant (Variation ID: 1435101). An algorithm developed to predict the effect of missense changes on protein structure and function (PolyPhen-2) suggests that this variant is likely to be disruptive. In summary, the available evidence is currently insufficient to determine the role of this variant in disease. Therefore, it has been classified as a Variant of Uncertain Significance.